The following is an entry in ClinVar:

ClinVar aggregate classification (germline): Uncertain significance. Review status: criteria provided, multiple submitters, no conflicts (2 of 4 stars). 2 submissions from 2 submitters: Uncertain significance (2). Last evaluated 2021-08-30.

Conditions:
Familial idiopathic hypercalciuria (HCA2). Also called: Hypercalciuria, absorptive, 2; Hypercalciuria, absorptive, susceptibility to. Identifiers: MedGen C0342639, MONDO:0007748, OMIM 143870.

Allele frequency attached by ClinVar (database versions not stated): gnomAD 0.00001; TOPMed 0.00001.
gnomAD v4.1: 69 of 1,603,652 alleles (0.0043%); highest among the groups gnomAD compares: Non-Finnish European, 0.0057%; no homozygotes.

Submissions (2):

Fulgent Genetics
Classification: Uncertain significance for Familial idiopathic hypercalciuria. Last evaluated: 2021-08-30. Review status: criteria provided, single submitter. Criteria: ACMG Guidelines, 2015. Collection method: clinical testing. Allele origin: unknown.

Labcorp Genetics (formerly Invitae), Labcorp
Classification: Uncertain significance. Last evaluated: 2019-06-10. Review status: criteria provided, single submitter. Criteria: Invitae Variant Classification Sherloc (09022015). Collection method: clinical testing. Allele origin: germline.
Comment: In summary, the available evidence is currently insufficient to determine the role of this variant in disease. Therefore, it has been classified as a Variant of Uncertain Significance. Nucleotide substitutions within the consensus splice site are a relatively common cause of aberrant splicing (PMID: 17576681, 9536098). Algorithms developed to predict the effect of sequence changes on RNA splicing suggest that this variant may disrupt the consensus splice site, but this prediction has not been confirmed by published transcriptional studies. This variant has not been reported in the literature in individuals with ADCY10-related conditions. This variant is not present in population databases (ExAC no frequency). This sequence change falls in intron 10 of the ADCY10 gene. It does not directly change the encoded amino acid sequence of the ADCY10 protein, but it affects a nucleotide within the consensus splice site of the intron.

Literature cited by the submitters: PubMed 17576681 (cited by Labcorp Genetics (formerly Invitae), Labcorp); PubMed 9536098 (cited by Labcorp Genetics (formerly Invitae), Labcorp).

NM_018417.6(ADCY10):c.1139+6T>G

Genes: ADCY10 (adenylate cyclase 10; minus strand), DCAF6 (DDB1 and CUL4 associated factor 6; plus strand). Cytogenetic location: 1q24.2.
Variant type: single nucleotide variant.
Coding change: c.1139+6T>G on transcript NM_018417.6 (MANE Select); 6 bases into the intron after coding-DNA position 1139, T replaced by G.
Molecular consequence: intron variant.
Genome position (GRCh38, 1-based): chr1:167,880,485, A>C on the plus strand (T>G on the coding strand, the complement: ADCY10 is on the minus strand). VCF-style: chr1-167880485-A-C. GRCh37 (hg19) VCF-style: chr1-167849723-A-C.
Other names: c.680+6T>G (NM_001167749.3); c.863+6T>G (NM_001297772.2).
Identifiers: ClinVar variation 947211 (VCV000947211.7), dbSNP rs777564091, ClinGen allele CA31430899.
Genomic context (GRCh38, chr1:167,880,485, plus strand): 5'-ATGCCCTCCCTACTTATGCCTCAAAAGGGTCAGGGACCGCTGGGTGGGACCAGGGTCAAT[A>C]CTCACTGGATTTTGTGGACTTGAGAGCAGAAGTCAAATATATCCATAGCACATTCCAGAG-3'